The following is an entry in ClinVar:

ClinVar aggregate classification (germline): Uncertain significance (1 of 4 stars; one submission).

Allele frequency attached by ClinVar (database versions not stated): ExAC 0.00002; gnomAD 0.00003; TOPMed 0.00005; gnomAD exomes 0.00010.
gnomAD v4.1: 167 of 1,613,994 alleles (0.01%); highest among the groups gnomAD compares: Middle Eastern, 0.016%; no homozygotes.

Submission:

Labcorp Genetics (formerly Invitae), Labcorp
Classification: Uncertain significance. Last evaluated: 2025-12-19. Review status: criteria provided, single submitter. Criteria: Invitae Variant Classification Sherloc (09022015). Collection method: clinical testing. Allele origin: germline.
Comment: This sequence change replaces proline, which is neutral and non-polar, with leucine, which is neutral and non-polar, at codon 474 of the TET2 protein (p.Pro474Leu). This variant is present in population databases (rs202152392, gnomAD 0.007%). This variant has not been reported in the literature in individuals affected with TET2-related conditions. ClinVar contains an entry for this variant (Variation ID: 2168700). An algorithm developed to predict the effect of missense changes on protein structure and function outputs the following: PolyPhen-2: "Benign". The leucine amino acid residue is found in multiple mammalian species, which suggests that this missense change does not adversely affect protein function. In summary, the available evidence is currently insufficient to determine the role of this variant in disease. Therefore, it has been classified as a Variant of Uncertain Significance.

NM_001127208.3(TET2):c.1421C>T (p.Pro474Leu)

Genes: TET2 (tet methylcytosine dioxygenase 2; plus strand), TET2-AS1 (TET2 antisense RNA 1; minus strand). Cytogenetic location: 4q24.
Variant type: single nucleotide variant.
Coding change: c.1421C>T on transcript NM_001127208.3 (MANE Select); coding-DNA position 1421, C replaced by T.
Protein change: p.Pro474Leu; replaces proline 474 with leucine.
Molecular consequence: missense variant.
Genome position (GRCh38, 1-based): chr4:105,235,363, C>T. VCF-style: chr4-105235363-C-T. GRCh37 (hg19) VCF-style: chr4-106156520-C-T.
Other names: c.1421C>T, p.Pro474Leu (NM_017628.4); short protein forms P474L.
Identifiers: ClinVar variation 2168700 (VCV002168700.4), dbSNP rs202152392, ClinGen allele CA3031677.